The following is an entry in ClinVar:

NM_001201543.2(FAM161A):c.678_681del (p.Lys227fs)

Gene: FAM161A (FAM161 centrosomal protein A; minus strand). Cytogenetic location: 2p15.
Variant type: Microsatellite.
Coding change: c.678_681del on transcript NM_001201543.2 (MANE Select); coding-DNA positions 678 to 681, 4 bases deleted (GAAG; older notation c.678_681delGAAG).
Protein change: p.Lys227fs; shifts the reading frame from lysine 227.
Molecular consequence: frameshift variant. On other transcripts: non-coding transcript variant (1).
Genome position (GRCh38, 1-based): chr2:61,840,323-61,840,326, CTTC deleted on the plus strand (GAAG on the coding strand, the reverse complement: FAM161A is on the minus strand); deleting any 4 consecutive bases within chr2:61,840,323-61,840,330 gives the same sequence; the c. name uses the placement nearest the transcript's 3' end. VCF-style (leftmost placement, unchanged base first): chr2-61840322-TCTTC-T. GRCh37 (hg19) VCF-style: chr2-62067457-TCTTC-T.
Other names: c.678_681del, p.Lys227fs (NM_032180.3); c.678_681del (NM_001201543.1); c.678_681delGAAG (NM_001201543.1); short protein forms K227fs.
Identifiers: ClinVar variation 438166 (VCV000438166.5), dbSNP rs1553354861, ClinGen allele CA645509108.

ClinVar aggregate classification (germline): Pathogenic. Review status: criteria provided, multiple submitters, no conflicts (2 of 4 stars). 4 submissions from 4 submitters: Pathogenic (2). 2 of the submissions do not count toward it. Last evaluated 2025-08-21.

Conditions:
Autosomal recessive retinitis pigmentosa. Identifiers: MedGen C0339526.
Retinitis pigmentosa 28 (RP28). Identifiers: Orphanet 791, MedGen C1419614, MONDO:0011630, OMIM 606068.
Retinitis pigmentosa (RP). Identifiers: Orphanet 791, MedGen C0035334, MeSH D012174, MONDO:0019200, OMIM 268000. Inheritance: Autosomal dominant, autosomal recessive and X linked inheritance.

Submissions (4):

Natera, Inc.
Classification: Pathogenic for Retinitis pigmentosa type 28. Last evaluated: 2025-08-21. Review status: criteria provided, single submitter. Criteria: Natera Variant Classification Schema (03/2026). Collection method: clinical testing. Allele origin: germline.
Comment: The c.678_681del variant in FAM161A is a frameshift variant predicted to shift the reading frame beginning at codon 227 and leads to a stop codon 17 codons downstream. This variant is expected to result in nonsense mediated decay, truncation, or a dysfunctional protein product. This variant is rare in the general population with a frequency below the threshold expected for the associated phenotype(s). This variant has been observed in one or more individuals affected with the associated recessive disease, as either homozygous or compound heterozygous with a second variant (PMID: 27874104). Given the available evidence, this variant is classified as Pathogenic.

Baylor Genetics
Classification: Pathogenic for Retinitis pigmentosa 28. Last evaluated: 2023-12-04. Review status: criteria provided, single submitter. Criteria: ACMG Guidelines, 2015. Collection method: clinical testing. Allele origin: unknown.

Faculty of Health Sciences, Beirut Arab University
Classification: Pathogenic for Autosomal recessive Retinitis Pigmentosa. Last evaluated: 2016-11-22. Review status: no assertion criteria provided. Collection method: literature only. Allele origin: germline. Affected: yes. Observed: 2 variant alleles. Not counted in ClinVar's aggregate classification.

NIHR Bioresource Rare Diseases, University of Cambridge
Classification: Likely pathogenic for Retinitis pigmentosa. Last evaluated: 2015-01-01. Review status: no assertion criteria provided. Collection method: research. Allele origin: unknown. Affected: yes. Observed: 1 variant allele. Not counted in ClinVar's aggregate classification.

Literature cited by the submitters: PubMed 27874104 (cited by Natera, Inc. and Faculty of Health Sciences, Beirut Arab University); PubMed 28041643 (cited by NIHR Bioresource Rare Diseases, University of Cambridge).